The following is an entry in ClinVar:

NM_015213.4(DENND5A):c.3647del (p.Gly1216fs)

Gene: DENND5A (DENN domain containing 5A; minus strand). Cytogenetic location: 11p15.4.
Variant type: Deletion.
Coding change: c.3647del on transcript NM_015213.4 (MANE Select); coding-DNA position 3647, one base deleted (G; older notation c.3647delG).
Protein change: p.Gly1216fs; shifts the reading frame from glycine 1216.
Molecular consequence: frameshift variant. On other transcripts: non-coding transcript variant (1), splice donor variant (1).
Genome position (GRCh38, 1-based): chr11:9,141,973, C deleted on the plus strand (G on the coding strand, the reverse complement: DENND5A is on the minus strand); the first of 2 consecutive C bases (chr11:9,141,973-9,141,974); deleting either gives the same sequence. VCF-style (leftmost placement, unchanged base first): chr11-9141972-GC-G. GRCh37 (hg19) VCF-style: chr11-9163519-GC-G.
Other names: c.3646delG, p.Gly1216Alafs (NM_001348748.1); c.3575del, p.Gly1192fs (NM_001348749.2); c.3359del, p.Gly1120fs (NM_001348750.2); c.3646+1del (NM_001243254.2); short protein forms G1120fs, G1216fs, G1192fs.
Identifiers: ClinVar variation 1940209 (VCV001940209.5), dbSNP rs1564877269, ClinGen allele CA597347946.
Genomic context (GRCh38, chr11:9,141,972, plus strand): 5'-TGCACTCTGGGCCCTGGGTCTGCAGTACCTGGCTCCCAAGCACACCAGCATCTGAAACTT[GC>G]CATCCTTGCCGATGTTCCGGGGAGTATTGTTGATTGCAGTGACAAATCGGCAGAAGTTCC-3'

ClinVar aggregate classification (germline): Uncertain significance (1 of 4 stars; one submission).

Submission:

Labcorp Genetics (formerly Invitae), Labcorp
Classification: Uncertain significance. Last evaluated: 2022-07-14. Review status: criteria provided, single submitter. Criteria: Invitae Variant Classification Sherloc (09022015). Collection method: clinical testing. Allele origin: germline.
Comment: This sequence change creates a premature translational stop signal (p.Gly1216Alafs*38) in the DENND5A gene. While this is not anticipated to result in nonsense mediated decay, it is expected to disrupt the last 72 amino acid(s) of the DENND5A protein. This variant is present in population databases (no rsID available, gnomAD 0.0009%). This variant has not been reported in the literature in individuals affected with DENND5A-related conditions. Algorithms developed to predict the effect of sequence changes on RNA splicing suggest that this variant may disrupt the consensus splice site. In summary, the available evidence is currently insufficient to determine the role of this variant in disease. Therefore, it has been classified as a Variant of Uncertain Significance.